The following is an entry in ClinVar:

NM_032043.3(BRIP1):c.530G>A (p.Gly177Glu)

Gene: BRIP1 (BRCA1 interacting DNA helicase 1; minus strand). Cytogenetic location: 17q23.2.
Variant type: single nucleotide variant.
Coding change: c.530G>A on transcript NM_032043.3 (MANE Select); coding-DNA position 530, G replaced by A.
Protein change: p.Gly177Glu; replaces glycine 177 with glutamic acid.
Molecular consequence: missense variant.
Genome position (GRCh38, 1-based): chr17:61,847,198, C>T on the plus strand (G>A on the coding strand, the complement: BRIP1 is on the minus strand). VCF-style: chr17-61847198-C-T. GRCh37 (hg19) VCF-style: chr17-59924559-C-T.
Other names: short protein forms G177E.
Identifiers: ClinVar variation 961851 (VCV000961851.10), dbSNP rs2078748443, ClinGen allele CA400483295.

ClinVar aggregate classification (germline): Uncertain significance (1 of 4 stars; one submission).

Conditions:
Familial cancer of breast. Also called: Hereditary breast cancer; BREAST CANCER, FAMILIAL; hereditary breast carcinoma. Identifiers: Orphanet 227535, MedGen C0346153, MONDO:0016419, OMIM 114480. Disease mechanism: loss of function.
Fanconi anemia complementation group J. Also called: BRIP1-Related Fanconi Anemia. Identifiers: Orphanet 84, MedGen C1836860, MONDO:0012187, OMIM 609054.

Submission:

Labcorp Genetics (formerly Invitae), Labcorp
Classification: Uncertain significance for Familial cancer of breast; Fanconi anemia complementation group J. Last evaluated: 2023-08-11. Review status: criteria provided, single submitter. Criteria: Invitae Variant Classification Sherloc (09022015). Collection method: clinical testing. Allele origin: germline.
Comment: Advanced modeling of protein sequence and biophysical properties (such as structural, functional, and spatial information, amino acid conservation, physicochemical variation, residue mobility, and thermodynamic stability) performed at Invitae indicates that this missense variant is not expected to disrupt BRIP1 protein function. This sequence change replaces glycine, which is neutral and non-polar, with glutamic acid, which is acidic and polar, at codon 177 of the BRIP1 protein (p.Gly177Glu). This variant is not present in population databases (gnomAD no frequency). This variant has not been reported in the literature in individuals affected with BRIP1-related conditions. ClinVar contains an entry for this variant (Variation ID: 961851). In summary, the available evidence is currently insufficient to determine the role of this variant in disease. Therefore, it has been classified as a Variant of Uncertain Significance.